The following is an entry in ClinVar:

ClinVar aggregate classification (germline): Uncertain significance (1 of 4 stars; one submission).

Conditions:
Epileptic encephalopathy. Identifiers: MedGen C0543888, HP:0200134.

Allele frequency attached by ClinVar (database versions not stated): gnomAD exomes below 0.00001; ExAC 0.00001; gnomAD 0.00001; TOPMed 0.00001.

Submission:

Labcorp Genetics (formerly Invitae), Labcorp
Classification: Uncertain significance for Epileptic encephalopathy. Last evaluated: 2025-11-03. Review status: criteria provided, single submitter. Criteria: Invitae Variant Classification Sherloc (09022015). Collection method: clinical testing. Allele origin: germline.
Comment: This sequence change replaces serine, which is neutral and polar, with threonine, which is neutral and polar, at codon 286 of the FASN protein (p.Ser286Thr). This variant is present in population databases (rs749367001, gnomAD 0.003%). This variant has not been reported in the literature in individuals affected with FASN-related conditions. ClinVar contains an entry for this variant (Variation ID: 462116). An algorithm developed to predict the effect of missense changes on protein structure and function outputs the following: PolyPhen-2: "Benign". The threonine amino acid residue is found in multiple mammalian species, which suggests that this missense change does not adversely affect protein function. In summary, the available evidence is currently insufficient to determine the role of this variant in disease. Therefore, it has been classified as a Variant of Uncertain Significance.

NM_004104.5(FASN):c.856T>A (p.Ser286Thr)

Gene: FASN (fatty acid synthase; minus strand). Cytogenetic location: 17q25.3.
Variant type: single nucleotide variant.
Coding change: c.856T>A on transcript NM_004104.5 (MANE Select); coding-DNA position 856, T replaced by A.
Protein change: p.Ser286Thr; replaces serine 286 with threonine.
Molecular consequence: missense variant.
Genome position (GRCh38, 1-based): chr17:82,092,735, A>T on the plus strand (T>A on the coding strand, the complement: FASN is on the minus strand). VCF-style: chr17-82092735-A-T. GRCh37 (hg19) VCF-style: chr17-80050611-A-T.
Other names: short protein forms S286T.
Identifiers: ClinVar variation 462116 (VCV000462116.10), dbSNP rs749367001, ClinGen allele CA8853361.